The following is an entry in ClinVar:

NM_000059.4(BRCA2):c.8129G>C (p.Ser2710Thr)

Gene: BRCA2 (BRCA2 DNA repair associated; plus strand). Cytogenetic location: 13q13.1.
Variant type: single nucleotide variant.
Coding change: c.8129G>C on transcript NM_000059.4 (MANE Select); coding-DNA position 8129, G replaced by C.
Protein change: p.Ser2710Thr; replaces serine 2710 with threonine.
Molecular consequence: missense variant. On other transcripts: non-coding transcript variant (1).
Genome position (GRCh38, 1-based): chr13:32,363,331, G>C. VCF-style: chr13-32363331-G-C. GRCh37 (hg19) VCF-style: chr13-32937468-G-C.
Other names: c.8033G>C, p.Ser2678Thr (NM_001406719.1); c.8129G>C, p.Ser2710Thr (NM_001406720.1, NM_001432077.1); c.3197G>C, p.Ser1066Thr (NM_001406721.1); c.1712G>C, p.Ser571Thr (NM_001406722.1); short protein forms S1066T, S2678T, S2710T, S571T.
Identifiers: ClinVar variation 4802350 (VCV004802350.1).

ClinVar aggregate classification (germline): Uncertain significance (1 of 4 stars; one submission).

Conditions:
Hereditary breast ovarian cancer syndrome. Also called: Hereditary breast and ovarian cancer syndrome (HBOC); Hereditary breast and ovarian cancer; Breast and ovarian cancer; Hereditary breast and/or ovarian cancer syndrome; BRCA1- and BRCA2-Associated Hereditary Breast and Ovarian Cancer; Hereditary breast and ovarian cancer syndrome. Identifiers: Orphanet 145, MedGen C0677776, MeSH D061325, MONDO:0003582. Disease mechanism: loss of function.

Submission:

Labcorp Genetics (formerly Invitae), Labcorp
Classification: Uncertain significance for Hereditary breast ovarian cancer syndrome. Last evaluated: 2025-09-27. Review status: criteria provided, single submitter. Criteria: Invitae Variant Classification Sherloc (09022015). Collection method: clinical testing. Allele origin: germline.
Comment: This sequence change replaces serine, which is neutral and polar, with threonine, which is neutral and polar, at codon 2710 of the BRCA2 protein (p.Ser2710Thr). This variant is not present in population databases (gnomAD no frequency). This variant has not been reported in the literature in individuals affected with BRCA2-related conditions. Invitae Evidence Modeling of protein sequence and biophysical properties (such as structural, functional, and spatial information, amino acid conservation, physicochemical variation, residue mobility, and thermodynamic stability) indicates that this missense variant is not expected to disrupt BRCA2 protein function with a negative predictive value of 95%. In summary, the available evidence is currently insufficient to determine the role of this variant in disease. Therefore, it has been classified as a Variant of Uncertain Significance.